The following is an entry in ClinVar:

NM_000260.4(MYO7A):c.3508G>A (p.Glu1170Lys)

Gene: MYO7A (myosin VIIA; plus strand). Cytogenetic location: 11q13.5.
Variant type: single nucleotide variant.
Coding change: c.3508G>A on transcript NM_000260.4 (MANE Select); coding-DNA position 3508, G replaced by A.
Protein change: p.Glu1170Lys; replaces glutamic acid 1170 with lysine.
Molecular consequence: missense variant.
Genome position (GRCh38, 1-based): chr11:77,189,348, G>A. VCF-style: chr11-77189348-G-A. GRCh37 (hg19) VCF-style: chr11-76900393-G-A.
Other names: c.3508G>A, p.Glu1170Lys (NM_001127180.2); c.3475G>A, p.Glu1159Lys (NM_001369365.1); short protein forms E1170K, E1159K.
Identifiers: ClinVar variation 43208 (VCV000043208.28), dbSNP rs111033214, ClinGen allele CA278649.

ClinVar aggregate classification (germline): Pathogenic. Review status: criteria provided, multiple submitters, no conflicts (2 of 4 stars). 12 submissions from 12 submitters: Pathogenic (8). 4 of the submissions do not count toward it. Last evaluated 2026-10-24.

Conditions:
Rare genetic deafness. Identifiers: Orphanet 96210, MedGen C5680250.
MYO7A-related disorder. Also called: MYO7A-related disorders.
Usher syndrome type 1 (USH1). Also called: RETINITIS PIGMENTOSA AND CONGENITAL DEAFNESS. Identifiers: Orphanet 231169, Orphanet 886, MedGen C1568247, MONDO:0010168, OMIM 276900.
Autosomal recessive nonsyndromic hearing loss 2. Also called: NEUROSENSORY NONSYNDROMIC RECESSIVE DEAFNESS 2; DEAFNESS, AUTOSOMAL RECESSIVE 2. Identifiers: Orphanet 90636, MedGen C1838701, MONDO:0010807, OMIM 600060.
Autosomal dominant nonsyndromic hearing loss 11. Identifiers: Orphanet 90635, MedGen C1832475, MONDO:0011032, OMIM 601317.
Usher syndrome type 1B (USH1B). Also called: Usher syndrome type IB. Identifiers: MedGen C1848638, MONDO:0700087.
Hearing loss, autosomal recessive. Also called: Deafness, autosomal recessive; Autosomal recessive nonsyndromic deafness; Nonsyndromic Hearing Loss, Recessive; Rare autosomal recessive non-syndromic sensorineural deafness type DFNB. Identifiers: Orphanet 90635, Orphanet 90636, MedGen C1846647, MONDO:0019588, OMIM 607197.

Allele frequency attached by ClinVar (database versions not stated): gnomAD exomes 0.00002; TOPMed 0.00002; ExAC 0.00002; gnomAD 0.00004.
gnomAD v4.1: 37 of 1,613,164 alleles (0.0023%); highest among the groups gnomAD compares: Admixed American, 0.0033%; no homozygotes.

Submissions (12):

GeneDx
Classification: Pathogenic. Last evaluated: 2026-10-24. Review status: criteria provided, single submitter. Criteria: GeneDx Variant Classification Process June 2021. Collection method: clinical testing. Allele origin: germline.
Comment: In silico analysis supports that this missense variant has a deleterious effect on protein structure/function; This variant is associated with the following publications: (PMID: 23451239, 16470552, 12112664, 16679490, 21311020, 27460420, 21436283, 18181211, 31479088, 16652077, 10447383, 33671976, 26791358, 30081015, 30303587, 10425080, 31589614, 33576163, 31964843, 37217489, 33749171, 36011334, 34948090, 36147510, 15043528)

PreventionGenetics, part of Exact Sciences
Classification: Pathogenic for MYO7A-related condition. Last evaluated: 2026-03-13. Review status: criteria provided, single submitter. Criteria: ACMG Guidelines, 2015. Collection method: clinical testing. Allele origin: germline.
Comment: The MYO7A c.3508G>A variant is predicted to result in the amino acid substitution p.Glu1170Lys. This variant has been reported as causative for Usher syndrome (Cuevas et al. 1999. PubMed ID: 10425080; Nájera et al 2002. PubMed ID: 12112664; Table S1, Bonnet et al. 2016. PubMed ID: 27460420, Roux et al. 2011. PubMed ID: 21436283). This variant is reported in 0.010% of alleles in individuals of Ashkenazi Jewish descent in gnomAD. This variant is interpreted as pathogenic.

3billion
Classification: Pathogenic for Usher syndrome type 1. Last evaluated: 2025-10-17. Review status: criteria provided, single submitter. Criteria: ACMG Guidelines, 2015. Collection method: clinical testing. Allele origin: germline. Affected: yes.
Comment: The variant is observed at an extremely low frequency in the gnomAD v4.1.0 dataset (total allele frequency: 0.002%). Predicted Consequence/Location: Missense variant In silico tool predictions suggest damaging effect of the variant on gene or gene product [REVEL: 0.96 (>=0.6, sensitivity 0.68 and specificity 0.92); 3Cnet: 0.99 (> 0.75, sensitivity 0.96 and precision 0.92)]. The same nucleotide change resulting in the same amino acid change has been previously reported as pathogenic/likely pathogenic with strong evidence (ClinVar ID: VCV000043208 /PMID: 10425080). The variant has been reported to be in trans with a pathogenic variant as either compound heterozygous or homozygous in at least 4 similarly affected unrelated individuals (PMID: 15043528, 21436283). The variant has been reported to co-segregate with the disease in at least one similarly affected relative/individual in the same family or similarly affected unrelated families (PMID: 15043528). A different missense change at the same codon (p.Glu1170Gly) has been reported as pathogenic/likely pathogenic with strong evidence (ClinVar ID: VCV001025532). Therefore, this variant is classified as Pathogenic according to the recommendation of ACMG/AMP guideline.

Dasa
Classification: Pathogenic. Last evaluated: 2025-09-19. Review status: criteria provided, single submitter. Criteria: DASA Assertion Criteria. Collection method: clinical testing. Allele origin: germline.
Comment: NM_000260.4(MYO7A):c.3508G>A (p.Glu1170Lys) is a missense variant that results in the substitution of glutamic acid with lysine. The affected residue or protein region has prior evidence supporting clinical relevance. This variant has been observed in affected individuals with related phenotype in a genotype context consistent with recessive disease (PMID: 21436283; PMID: 15043528). This variant has been recurrently observed in individuals with related phenotype (PMID: 21436283; PMID: 15043528). Multiple computational predictions support a deleterious effect on the gene or gene product. The variant is present at low frequency in population datasets. Based on the available data, this variant is classified as pathogenic.

Labcorp Genetics (formerly Invitae), Labcorp
Classification: Pathogenic. Last evaluated: 2024-05-27. Review status: criteria provided, single submitter. Criteria: Invitae Variant Classification Sherloc (09022015). Collection method: clinical testing. Allele origin: germline.
Comment: This sequence change replaces glutamic acid, which is acidic and polar, with lysine, which is basic and polar, at codon 1170 of the MYO7A protein (p.Glu1170Lys). This variant is present in population databases (rs111033214, gnomAD 0.01%). This missense change has been observed in individual(s) with Usher syndrome (PMID: 10425080, 15043528, 21436283). In at least one individual the data is consistent with being in trans (on the opposite chromosome) from a pathogenic variant. It has also been observed to segregate with disease in related individuals. ClinVar contains an entry for this variant (Variation ID: 43208). Advanced modeling of protein sequence and biophysical properties (such as structural, functional, and spatial information, amino acid conservation, physicochemical variation, residue mobility, and thermodynamic stability) performed at Invitae indicates that this missense variant is expected to disrupt MYO7A protein function with a positive predictive value of 95%. For these reasons, this variant has been classified as Pathogenic.

Blueprint Genetics
Classification: Pathogenic for MYO7A-related disorders. Last evaluated: 2024-02-19. Review status: criteria provided, single submitter. Criteria: ACMG Guidelines, 2015. Collection method: clinical testing. Allele origin: germline. Affected: yes. Observed: 5 variant alleles.

Fulgent Genetics
Classification: Pathogenic for Usher syndrome type 1; Autosomal recessive nonsyndromic hearing loss 2; Autosomal dominant nonsyndromic hearing loss 11. Last evaluated: 2022-02-17. Review status: criteria provided, single submitter. Criteria: ACMG Guidelines, 2015. Collection method: clinical testing. Allele origin: unknown.

Mendelics
Classification: Pathogenic for Autosomal recessive nonsyndromic hearing loss 2. Last evaluated: 2019-05-28. Review status: criteria provided, single submitter. Criteria: Mendelics Assertion Criteria 2017. Collection method: clinical testing. Allele origin: unknown.

Natera, Inc.
Classification: Pathogenic for Usher syndrome type 1B. Last evaluated: 2020-07-08. Review status: no assertion criteria provided. Collection method: clinical testing. Allele origin: germline. Not counted in ClinVar's aggregate classification.

Counsyl
Classification: Pathogenic for Usher syndrome type 1; Autosomal recessive nonsyndromic hearing loss 2. Last evaluated: 2017-02-03. Review status: no assertion criteria provided. Collection method: clinical testing. Allele origin: unknown. Not counted in ClinVar's aggregate classification.

Laboratory for Molecular Medicine, Mass General Brigham Personalized Medicine
Classification: Pathogenic for Rare genetic deafness. Last evaluated: 2006-10-28. Review status: no assertion criteria provided. Collection method: clinical testing. Allele origin: germline. Observed: 1 variant allele. Not counted in ClinVar's aggregate classification.

University of Washington Center for Mendelian Genomics, University of Washington
Classification: Likely pathogenic for non-syndromic autosomal recessive hearing loss. Review status: no assertion criteria provided. Collection method: research. Allele origin: inherited. Affected: yes. Not counted in ClinVar's aggregate classification.

Literature cited by the submitters: PubMed 10425080 (cited by 3 submitters); PubMed 15043528 (cited by 3 submitters); PubMed 21436283 (cited by 4 submitters); PubMed 12112664 (cited by Counsyl and Laboratory for Molecular Medicine, Mass General Brigham Personalized Medicine); PubMed 27460420 (cited by Counsyl); PubMed 18181211 (cited by Counsyl and Laboratory for Molecular Medicine, Mass General Brigham Personalized Medicine); PubMed 10447383 (cited by Counsyl); PubMed 21311020 (cited by Counsyl); PubMed 16679490 (cited by Counsyl); PubMed 26791358 (cited by Counsyl); PubMed 16470552 (cited by Counsyl); PubMed 23451239 (cited by Counsyl); PubMed 16652077 (cited by Laboratory for Molecular Medicine, Mass General Brigham Personalized Medicine); PubMed 30303587 (cited by University of Washington Center for Mendelian Genomics, University of Washington).